The following is an entry in ClinVar:

ClinVar aggregate classification (germline): Uncertain significance (1 of 4 stars; one submission).

Conditions:
Inborn genetic diseases. Identifiers: MedGen C0950123, MeSH D030342.

gnomAD v4.1: 1 of 1,614,154 alleles (0.000062%); highest among the groups gnomAD compares: South Asian, 0.0011%; no homozygotes.

Submission:

Ambry Genetics
Classification: Uncertain significance for Inborn genetic diseases. Last evaluated: 2026-09-05. Review status: criteria provided, single submitter. Criteria: Ambry Variant Classification Scheme 2023. Collection method: clinical testing. Allele origin: germline.
Comment: The p.L170P variant (also known as c.509T>C), located in coding exon 6 of the DDX41 gene, results from a T to C substitution at nucleotide position 509. The leucine at codon 170 is replaced by proline, an amino acid with similar properties. This amino acid position is conserved. In addition, this alteration is predicted to be deleterious by in silico analysis. Based on the available evidence, the clinical significance of this variant remains unclear.

NM_016222.4(DDX41):c.509T>C (p.Leu170Pro)

Gene: DDX41 (DEAD-box helicase 41; minus strand). Cytogenetic location: 5q35.3.
Variant type: single nucleotide variant.
Coding change: c.509T>C on transcript NM_016222.4 (MANE Select); coding-DNA position 509, T replaced by C.
Protein change: p.Leu170Pro; replaces leucine 170 with proline.
Molecular consequence: missense variant.
Genome position (GRCh38, 1-based): chr5:177,515,747, A>G on the plus strand (T>C on the coding strand, the complement: DDX41 is on the minus strand). VCF-style: chr5-177515747-A-G. GRCh37 (hg19) VCF-style: chr5-176942748-A-G.
Other names: c.131T>C, p.Leu44Pro (NM_001321732.2, NM_001321830.2); short protein forms L170P, L44P.
Identifiers: ClinVar variation 5035176 (VCV005035176.1).